The following is an entry in ClinVar:

ClinVar aggregate classification (germline): Benign. Review status: criteria provided, multiple submitters, no conflicts (2 of 4 stars). 2 submissions from 2 submitters: Benign (2). Last evaluated 2018-01-12.

Conditions:
Congenital brain dysgenesis due to glutamine synthetase deficiency (GLND). Also called: GLUTAMINE SYNTHASE DEFICIENCY, CONGENITAL SYSTEMIC. Identifiers: Orphanet 71278, MedGen C1864910, MONDO:0012393, OMIM 610015.

Allele frequency attached by ClinVar (database versions not stated): 1000 Genomes Project 30x 0.09104; 1000 Genomes Project 0.09325; gnomAD exomes 0.03509; TOPMed 0.12113.

Submissions (2):

Illumina Laboratory Services, Illumina
Classification: Benign for Congenital brain dysgenesis due to glutamine synthetase deficiency. Last evaluated: 2018-01-12. Review status: criteria provided, single submitter. Criteria: ICSL Variant Classification Criteria 13 December 2019. Collection method: clinical testing. Allele origin: germline.
Comment: This variant was observed in the ICSL laboratory as part of a predisposition screen in an ostensibly healthy population. It had not been previously curated by ICSL or reported in the Human Gene Mutation Database (HGMD: prior to June 1st, 2018), and was therefore a candidate for classification through an automated scoring system. Utilizing variant allele frequency, disease prevalence and penetrance estimates, and inheritance mode, an automated score was calculated to assess if this variant is too frequent to cause the disease. Based on the score and internal cut-off values, a variant classified as benign is not then subjected to further curation. The score for this variant resulted in a classification of benign for this disease.

Breakthrough Genomics
Classification: Benign. Review status: criteria provided, single submitter. Criteria: ACMG Guidelines, 2015. Collection method: not provided. Allele origin: germline. Inheritance: Autosomal recessive inheritance. Affected: yes.

NM_002065.5(GLUL):c.-718G>C

Genes: GLUL (glutamate-ammonia ligase; minus strand), LOC129932057 (ATAC-STARR-seq lymphoblastoid silent region 1618; plus strand). Cytogenetic location: 1q25.3.
Variant type: single nucleotide variant.
Coding change: c.-718G>C on transcript NM_002065.5; 718 bases upstream of the start codon, G replaced by C.
Genome position (GRCh38, 1-based): chr1:182,392,027, C>G on the plus strand (G>C on the coding strand, the complement: GLUL is on the minus strand). VCF-style: chr1-182392027-C-G. GRCh37 (hg19) VCF-style: chr1-182361162-C-G.
Identifiers: ClinVar variation 293971 (VCV000293971.8), dbSNP rs116040694, ClinGen allele CA10608468.